The following is an entry in ClinVar:

NM_001195518.2(MICU1):c.313G>T (p.Gly105Ter)

Gene: MICU1 (mitochondrial calcium uptake 1; minus strand). Cytogenetic location: 10q22.1.
Variant type: single nucleotide variant.
Coding change: c.313G>T on transcript NM_001195518.2 (MANE Select); coding-DNA position 313, G replaced by T.
Protein change: p.Gly105Ter; replaces glycine 105 with a stop codon.
Molecular consequence: nonsense. On other transcripts: 5 prime UTR variant (3), non-coding transcript variant (3), intron variant (1).
Genome position (GRCh38, 1-based): chr10:72,562,912, C>A on the plus strand (G>T on the coding strand, the complement: MICU1 is on the minus strand). VCF-style: chr10-72562912-C-A. GRCh37 (hg19) VCF-style: chr10-74322670-C-A.
Other names: c.313G>T, p.Gly105Ter (NM_001363513.2, NM_001441218.1, NM_001441219.1 and 9 more transcripts); c.214G>T, p.Gly72Ter (NM_001441226.1); c.-437G>T (NM_001441230.1); c.-393G>T (NM_001441231.1); c.-257G>T (NM_001441233.1); c.-3-11571G>T (NM_001441228.1); short protein forms G105*, G72*.
Identifiers: ClinVar variation 4716968 (VCV004716968.1).

ClinVar aggregate classification (germline): Pathogenic (1 of 4 stars; one submission).

Submission:

Labcorp Genetics (formerly Invitae), Labcorp
Classification: Pathogenic. Last evaluated: 2025-04-09. Review status: criteria provided, single submitter. Criteria: Invitae Variant Classification Sherloc (09022015). Collection method: clinical testing. Allele origin: germline.
Comment: This sequence change creates a premature translational stop signal (p.Gly105*) in the MICU1 gene. It is expected to result in an absent or disrupted protein product. Loss-of-function variants in MICU1 are known to be pathogenic (PMID: 24336167). This variant is not present in population databases (gnomAD no frequency). This variant has not been reported in the literature in individuals affected with MICU1-related conditions. For these reasons, this variant has been classified as Pathogenic.

Literature cited by the submitters: PubMed 24336167.